The following is an entry in ClinVar:

ClinVar aggregate classification (germline): Likely pathogenic (1 of 4 stars; one submission).

Conditions:
Charlevoix-Saguenay spastic ataxia (SACS). Also called: AUTOSOMAL RECESSIVE SPASTIC ATAXIA OF CHARLEVOIX-SAGUENAY; Spastic ataxia of Charlevoix-Saguenay; SPASTIC ATAXIA 6, AUTOSOMAL RECESSIVE. Identifiers: Orphanet 98, MedGen C1849140, MONDO:0010041, OMIM 270550.

Submission:

Natera, Inc.
Classification: Likely pathogenic for Charlevoix-Saguenay type spastic ataxia. Last evaluated: 2024-07-11. Review status: criteria provided, single submitter. Criteria: Natera Variant Classification Schema (03/2026). Collection method: clinical testing. Allele origin: germline.
Comment: The c.5778_5779insAGAC variant in SACS is a frameshift variant predicted to shift the reading frame beginning at codon 1927 and leads to a stop codon 9 codons downstream. This variant is expected to result in nonsense mediated decay, truncation, or a dysfunctional protein product. This variant is rare in the general population with a frequency below the threshold expected for the associated phenotype(s). Given the available evidence, this variant is classified as Likely Pathogenic.

NM_014363.6(SACS):c.5778_5779insAGAC (p.Val1927fs)

Gene: SACS (sacsin molecular chaperone; minus strand). Cytogenetic location: 13q12.12.
Variant type: Insertion.
Coding change: c.5778_5779insAGAC on transcript NM_014363.6 (MANE Select); coding-DNA positions 5778 to 5779, AGAC inserted.
Protein change: p.Val1927fs; shifts the reading frame from valine 1927.
Molecular consequence: frameshift variant.
Genome position: GRCh38 VCF-style: chr13-23338097-C-CGTCT. GRCh37 (hg19) VCF-style: chr13-23912236-C-CGTCT.
Other names: c.5337_5338insAGAC, p.Val1780fs (NM_001278055.2); c.5805_5806insAGAC, p.Val1936fs (NM_001437336.1); short protein forms V1780fs, V1927fs, V1936fs.
Identifiers: ClinVar variation 4815706 (VCV004815706.1).
Genomic context (GRCh38, chr13:23,338,097, plus strand): 5'-GCCATACTGCATAGTAAGTATAATCCATTAGCTCCCCACTAGTGGCCAGGTCCCGTAAGA[C>CGTCT]ACTCAGTACCTGTAAGTAAGCTTTCACAATAACATGTCTCATGAACGTGGTATTCCATCG-3'